The following is an entry in ClinVar:

NM_015047.3(EMC1):c.2249C>T (p.Ala750Val)

Genes: EMC1 (ER membrane protein complex subunit 1; minus strand), EMC1-AS1 (EMC1 antisense RNA 1; plus strand). Cytogenetic location: 1p36.13.
Variant type: single nucleotide variant.
Coding change: c.2249C>T on transcript NM_015047.3 (MANE Select); coding-DNA position 2249, C replaced by T.
Protein change: p.Ala750Val; replaces alanine 750 with valine.
Molecular consequence: missense variant.
Genome position (GRCh38, 1-based): chr1:19,223,523, G>A on the plus strand (C>T on the coding strand, the complement: EMC1 is on the minus strand). VCF-style: chr1-19223523-G-A. GRCh37 (hg19) VCF-style: chr1-19550017-G-A.
Other names: c.2246C>T, p.Ala749Val (NM_001271427.2, NM_001271428.2); c.2183C>T, p.Ala728Val (NM_001271429.2); c.2258C>T, p.Ala753Val (NM_001375820.1); c.2255C>T, p.Ala752Val (NM_001375821.1); c.2249C>T (NM_015047.1); short protein forms A728V, A749V, A750V, A752V, A753V.
Identifiers: ClinVar variation 1027216 (VCV001027216.9), dbSNP rs149268308, ClinGen allele CA652338.
Genomic context (GRCh38, chr1:19,223,523, plus strand): 5'-ATGATACGCCCAGTGACGCCATCAATGAGGAAGATGCCAATAAAGGTGCGCTCATGGTGC[G>A]CGTCTGTGCTCTCTGTCACCACGGCCAGCAGGTTGGGGTTCAGGCTCTGGAGAGAGAGAG-3'
Protein context (NP_055862.1, residues 740-760): LLAVVTESTD[Ala750Val]HHERTFIGIF

ClinVar aggregate classification (germline): Conflicting classifications of pathogenicity. Review status: criteria provided, conflicting classifications (1 of 4 stars). 3 submissions from 3 submitters: Uncertain significance (1); Likely benign (2). Last evaluated 2026-01-09.

Conditions:
Inborn genetic diseases. Identifiers: MedGen C0950123, MeSH D030342.

Allele frequency attached by ClinVar (database versions not stated): gnomAD exomes 0.00004 and 0.00007; ExAC 0.00010; gnomAD 0.00013 and 0.00014; 1000 Genomes Project 30x 0.00016; 1000 Genomes Project 0.00020; TOPMed 0.00023; ESP Exome Variant Server 0.00038.
gnomAD v4.1: 87 of 1,614,152 alleles (0.0054%); highest among the groups gnomAD compares: African/African-American, 0.051%; 1 homozygote.

Submissions (3):

Labcorp Genetics (formerly Invitae), Labcorp
Classification: Uncertain significance. Last evaluated: 2026-01-09. Review status: criteria provided, single submitter. Criteria: Invitae Variant Classification Sherloc (09022015). Collection method: clinical testing. Allele origin: germline.
Comment: This sequence change replaces alanine, which is neutral and non-polar, with valine, which is neutral and non-polar, at codon 750 of the EMC1 protein (p.Ala750Val). This variant is present in population databases (rs149268308, gnomAD 0.07%). This variant has not been reported in the literature in individuals affected with EMC1-related conditions. ClinVar contains an entry for this variant (Variation ID: 1027216). An algorithm developed to predict the effect of missense changes on protein structure and function outputs the following: PolyPhen-2: "Benign". The valine amino acid residue is found in multiple mammalian species, which suggests that this missense change does not adversely affect protein function. In summary, the available evidence is currently insufficient to determine the role of this variant in disease. Therefore, it has been classified as a Variant of Uncertain Significance.

Blueprint Genetics
Classification: Likely benign. Last evaluated: 2023-09-07. Review status: criteria provided, single submitter. Criteria: ACMG Guidelines, 2015. Collection method: clinical testing. Allele origin: germline.

Ambry Genetics
Classification: Likely benign for Inborn genetic diseases. Last evaluated: 2023-05-04. Review status: criteria provided, single submitter. Criteria: Ambry Variant Classification Scheme 2023. Collection method: clinical testing. Allele origin: germline.